The following is an entry in ClinVar:

NM_002860.4(ALDH18A1):c.1111C>T (p.Arg371Ter)

Gene: ALDH18A1 (aldehyde dehydrogenase 18 family member A1; minus strand). Cytogenetic location: 10q24.1.
Variant type: single nucleotide variant.
Coding change: c.1111C>T on transcript NM_002860.4 (MANE Select); coding-DNA position 1111, C replaced by T.
Protein change: p.Arg371Ter; replaces arginine 371 with a stop codon.
Molecular consequence: nonsense.
Genome position (GRCh38, 1-based): chr10:95,626,744, G>A on the plus strand (C>T on the coding strand, the complement: ALDH18A1 is on the minus strand). VCF-style: chr10-95626744-G-A. GRCh37 (hg19) VCF-style: chr10-97386501-G-A.
Other names: chr10-95626744 G>A; p.Arg371*; c.1105C>T, p.Arg369Ter (NM_001017423.2, NM_001323415.2); c.778C>T, p.Arg260Ter (NM_001323412.2, NM_001323416.2); c.1111C>T, p.Arg371Ter (NM_001323413.2, NM_001323414.2); c.1006C>T, p.Arg336Ter (NM_001323417.2); c.772C>T, p.Arg258Ter (NM_001323418.2); c.475C>T, p.Arg159Ter (NM_001323419.2); short protein forms R159*, R258*, R260*, R336*, R369*, R371*.
Identifiers: ClinVar variation 1344210 (VCV001344210.4), dbSNP rs775201668, ClinGen allele CA377703010.

ClinVar aggregate classification (germline): Pathogenic/Likely pathogenic. Review status: criteria provided, multiple submitters, no conflicts (2 of 4 stars). 2 submissions from 2 submitters: Pathogenic (1); Likely pathogenic (1). Last evaluated 2025-05-13.

Conditions:
Autosomal recessive complex spastic paraplegia type 9B. Also called: Spastic paraplegia 9b, autosomal recessive. Identifiers: Orphanet 447760, MedGen C5568980, MONDO:0014702, OMIM 616586.
Hereditary spastic paraplegia. Also called: Familial spastic paraparesis. Identifiers: Orphanet 685, MedGen C0037773, MONDO:0019064. Disease mechanism: loss of function.

Submissions (2):

Department of Biochemistry, All India Institute of Medical Sciences, Kalyani
Classification: Pathogenic for Autosomal recessive complex spastic paraplegia type 9B. Last evaluated: 2025-05-13. Review status: criteria provided, single submitter. Criteria: ACMG Guidelines, 2015. Collection method: clinical testing. Allele origin: germline. Affected: yes.
Comment: The NM_002860.4:c.1111C>T, is a nonsense variant in the exon 10 of ALDH18A1 gene which is predicted to result in premature stop codon after the amino acid Arginine in position 371 in the polypeptide chain and likely results in an absent or disrupted protein product (PVS1 – Pathogenic Very Strong). EEG is found to be normal. MRI of the brain showed bilateral cystic lesion in the temporal lobe and caudate region, thin corpus callosum posterior>anterior), delayed myelination and mild cortical atrophy. However, a second variant was not identified in the proband and the diagnosis attributed was autosomal dominant spastic paraplegia. This variant has an allele frequency of 6.196e-7 in gnomAD v4.1.0 and is not reported in South Asians (PM2 – Pathogenic Moderate). In summary, this variant meets criteria to be classified as pathogenic based on the ACMG/AMP criteria applied, as specified by PVS1, PS4 & PM2 criteria.

Genome Diagnostics Laboratory, The Hospital for Sick Children
Classification: Likely pathogenic for Hereditary spastic paraplegia. Last evaluated: 2019-04-01. Review status: criteria provided, single submitter. Criteria: ACMG Guidelines, 2015. Collection method: clinical testing. Allele origin: germline. Affected: yes.